The following is an entry in ClinVar:

NM_003458.4(BSN):c.11732T>C (p.Leu3911Pro)

Gene: BSN (bassoon presynaptic cytomatrix protein; plus strand). Cytogenetic location: 3p21.31.
Variant type: single nucleotide variant.
Coding change: c.11732T>C on transcript NM_003458.4 (MANE Select); coding-DNA position 11732, T replaced by C.
Protein change: p.Leu3911Pro; replaces leucine 3911 with proline.
Molecular consequence: missense variant.
Genome position (GRCh38, 1-based): chr3:49,664,546, T>C. VCF-style: chr3-49664546-T-C. GRCh37 (hg19) VCF-style: chr3-49701979-T-C.
Other names: short protein forms L3911P.
Identifiers: ClinVar variation 4984303 (VCV004984303.1).

ClinVar aggregate classification (germline): Uncertain significance (1 of 4 stars; one submission).

Conditions:
BSN-related disorder. Also called: BSN-related condition.

Submission:

PreventionGenetics, part of Exact Sciences
Classification: Uncertain significance for BSN-related condition. Last evaluated: 2025-11-17. Review status: criteria provided, single submitter. Criteria: ACMG Guidelines, 2015. Collection method: clinical testing. Allele origin: germline.
Comment: The BSN c.11732T>C variant is predicted to result in the amino acid substitution p.Leu3911Pro. To our knowledge, this variant has not been reported in the literature or in a large population database (gnomAD), indicating this variant is rare. At this time, the clinical significance of this variant is uncertain due to the absence of conclusive functional and genetic evidence.